The following is an entry in ClinVar:

NM_003482.4(KMT2D):c.12578C>T (p.Thr4193Met)

Gene: KMT2D (lysine methyltransferase 2D; minus strand). Cytogenetic location: 12q13.12.
Variant type: single nucleotide variant.
Coding change: c.12578C>T on transcript NM_003482.4 (MANE Select); coding-DNA position 12578, C replaced by T.
Protein change: p.Thr4193Met; replaces threonine 4193 with methionine.
Molecular consequence: missense variant.
Genome position (GRCh38, 1-based): chr12:49,032,127, G>A on the plus strand (C>T on the coding strand, the complement: KMT2D is on the minus strand). VCF-style: chr12-49032127-G-A. GRCh37 (hg19) VCF-style: chr12-49425910-G-A.
Other names: c.12578C>T (NM_003482.3); short protein forms T4193M.
Identifiers: ClinVar variation 1570064 (VCV001570064.9), dbSNP rs369356025, ClinGen allele CA6546180.

ClinVar aggregate classification (germline): Likely benign. Review status: criteria provided, multiple submitters, no conflicts (2 of 4 stars). 2 submissions from 2 submitters: Likely benign (2). Last evaluated 2025-10-24.

Conditions:
Kabuki syndrome. Also called: Kabuki make-up syndrome; NIIKAWA-KUROKI SYNDROME. Identifiers: Orphanet 2322, MedGen C0796004, MONDO:0016512.
KMT2D-related disorder. Also called: KMT2D-Related Disorders.

Allele frequency attached by ClinVar (database versions not stated): gnomAD 0.00006 and 0.00005; TOPMed 0.00009; ESP Exome Variant Server 0.00016; ExAC 0.00003; gnomAD exomes 0.00003.
gnomAD v4.1: 50 of 1,613,736 alleles (0.0031%); highest among the groups gnomAD compares: African/African-American, 0.02%; no homozygotes.

Submissions (2):

Labcorp Genetics (formerly Invitae), Labcorp
Classification: Likely benign for Kabuki syndrome. Last evaluated: 2025-10-24. Review status: criteria provided, single submitter. Criteria: Invitae Variant Classification Sherloc (09022015). Collection method: clinical testing. Allele origin: germline.

PreventionGenetics, part of Exact Sciences
Classification: Likely benign for KMT2D-related condition. Last evaluated: 2025-09-19. Review status: criteria provided, single submitter. Criteria: ACMG Guidelines, 2015. Collection method: clinical testing. Allele origin: germline.
Comment: This variant is classified as likely benign based on ACMG/AMP sequence variant interpretation guidelines (Richards et al. 2015 PMID: 25741868, with internal and published modifications).